The following is an entry in ClinVar:

ClinVar aggregate classification (germline): Pathogenic (1 of 4 stars; one submission).

Conditions:
Early-infantile DEE. Also called: Early infantile epileptic encephalopathy; Early infantile epileptic encephalopathy with suppression bursts; Ohtahara syndrome. Identifiers: Orphanet 1934, MedGen C0393706, MONDO:0800491.

Submission:

Labcorp Genetics (formerly Invitae), Labcorp
Classification: Pathogenic for Early-infantile DEE. Last evaluated: 2022-02-05. Review status: criteria provided, single submitter. Criteria: Invitae Variant Classification Sherloc (09022015). Collection method: clinical testing. Allele origin: germline.
Comment: For these reasons, this variant has been classified as Pathogenic. ClinVar contains an entry for this variant (Variation ID: 461260). This variant has not been reported in the literature in individuals affected with SCN1A-related conditions. This variant is not present in population databases (gnomAD no frequency). This sequence change creates a premature translational stop signal (p.Arg1028Glufs*18) in the SCN1A gene. It is expected to result in an absent or disrupted protein product. Loss-of-function variants in SCN1A are known to be pathogenic (PMID: 17347258, 18930999).

Literature cited by the submitters: PubMed 17347258; PubMed 18930999.

NM_001165963.4(SCN1A):c.3082del (p.Arg1028fs)

Genes: SCN1A (sodium voltage-gated channel alpha subunit 1; minus strand), LOC102724058 (uncharacterized LOC102724058; plus strand). Cytogenetic location: 2q24.3.
Variant type: Deletion.
Coding change: c.3082del on transcript NM_001165963.4 (MANE Select); coding-DNA position 3082, one base deleted (A; older notation c.3082delA).
Protein change: p.Arg1028fs; shifts the reading frame from arginine 1028.
Molecular consequence: frameshift variant. On other transcripts: non-coding transcript variant (2).
Genome position (GRCh38, 1-based): chr2:166,036,395, T deleted on the plus strand (A on the coding strand, the reverse complement: SCN1A is on the minus strand); the first of 4 consecutive T bases (chr2:166,036,395-166,036,398); deleting any one gives the same sequence. VCF-style (leftmost placement, unchanged base first): chr2-166036394-CT-C. GRCh37 (hg19) VCF-style: chr2-166892904-CT-C.
Other names: c.2998del, p.Arg1000fs (NM_001165964.3, NM_001353957.2, NM_001353958.2); c.3082del, p.Arg1028fs (NM_001202435.3, NM_001353948.2); c.3049del, p.Arg1017fs (NM_001353949.2, NM_001353950.2, NM_001353951.2 and 2 more transcripts); c.3046del, p.Arg1016fs (NM_001353954.2, NM_001353955.2); c.2995del, p.Arg999fs (NM_001353960.2); c.640del, p.Arg214fs (NM_001353961.2); short protein forms R1017fs, R1016fs, R214fs, R999fs, R1000fs, R1028fs.
Identifiers: ClinVar variation 461260 (VCV000461260.7), dbSNP rs1553540389, ClinGen allele CA658657105.